The following is an entry in ClinVar:

NM_002474.3(MYH11):c.2266C>T (p.Leu756Phe)

Gene: MYH11 (myosin heavy chain 11; minus strand). Cytogenetic location: 16p13.11.
Variant type: single nucleotide variant.
Coding change: c.2266C>T on transcript NM_002474.3 (MANE Select); coding-DNA position 2266, C replaced by T.
Protein change: p.Leu756Phe; replaces leucine 756 with phenylalanine.
Molecular consequence: missense variant.
Genome position (GRCh38, 1-based): chr16:15,747,715, G>A on the plus strand (C>T on the coding strand, the complement: MYH11 is on the minus strand). VCF-style: chr16-15747715-G-A. GRCh37 (hg19) VCF-style: chr16-15841572-G-A.
Other names: c.2287C>T, p.Leu763Phe (NM_001040113.2, NM_001040114.2); c.2266C>T, p.Leu756Phe (NM_022844.3); short protein forms L756F, L763F.
Identifiers: ClinVar variation 2773847 (VCV002773847.2), dbSNP rs2506267236, ClinGen allele CA394867547.

ClinVar aggregate classification (germline): Uncertain significance (1 of 4 stars; one submission).

Conditions:
Familial thoracic aortic aneurysm and aortic dissection (TAAD). Also called: Thoracic aortic aneurysms and dissections. Identifiers: Orphanet 91387, MedGen C4707243, MONDO:0019625.

Submission:

Color Diagnostics, LLC DBA Color Health
Classification: Uncertain significance for Familial thoracic aortic aneurysm and aortic dissection. Last evaluated: 2022-12-05. Review status: criteria provided, single submitter. Criteria: ACMG Guidelines, 2015. Collection method: clinical testing. Allele origin: germline.
Comment: This missense variant replaces leucine with phenylalanine at codon 763 of the MYH11 protein. Computational prediction suggests that this variant may have deleterious impact on protein structure and function (internally defined REVEL score threshold >= 0.7, PMID: 27666373). To our knowledge, functional studies have not been reported for this variant. This variant has not been reported in individuals affected with MYH11-related disorders in the literature. This variant has not been identified in the general population by the Genome Aggregation Database (gnomAD). The available evidence is insufficient to determine the role of this variant in disease conclusively. Therefore, this variant is classified as a Variant of Uncertain Significance.